The following is an entry in ClinVar:

ClinVar aggregate classification (germline): Likely pathogenic (1 of 4 stars; one submission).

Conditions:
Primary ciliary dyskinesia. Also called: Ciliary dyskinesia. Identifiers: Orphanet 244, MedGen C0008780, MONDO:0016575, HP:0012265.

gnomAD v4.1: 2 of 1,596,774 alleles (0.00013%); highest among the groups gnomAD compares: Non-Finnish European, 0.00017%; no homozygotes.

Submission:

Labcorp Genetics (formerly Invitae), Labcorp
Classification: Likely pathogenic for Primary ciliary dyskinesia. Last evaluated: 2025-03-16. Review status: criteria provided, single submitter. Criteria: Invitae Variant Classification Sherloc (09022015). Collection method: clinical testing. Allele origin: germline.
Comment: This sequence change affects a donor splice site in intron 13 of the DNAH8 gene. It is expected to disrupt RNA splicing. Variants that disrupt the donor or acceptor splice site typically lead to a loss of protein function (PMID: 16199547), and loss-of-function variants in DNAH8 are known to be pathogenic (PMID: 24307375, 32619401, 32681648). This variant is not present in population databases (gnomAD no frequency). This variant has not been reported in the literature in individuals affected with DNAH8-related conditions. Algorithms developed to predict the effect of sequence changes on RNA splicing suggest that this variant may disrupt the consensus splice site. In summary, the currently available evidence indicates that the variant is pathogenic, but additional data are needed to prove that conclusively. Therefore, this variant has been classified as Likely Pathogenic.

Literature cited by the submitters: PubMed 16199547; PubMed 24307375; PubMed 32619401; PubMed 32681648.

NM_001206927.2(DNAH8):c.1962+1G>A

Gene: DNAH8 (dynein axonemal heavy chain 8; plus strand). Cytogenetic location: 6p21.2.
Variant type: single nucleotide variant.
Coding change: c.1962+1G>A on transcript NM_001206927.2 (MANE Select); the canonical splice donor site of the intron after coding-DNA position 1962, G replaced by A.
Molecular consequence: splice donor variant.
Genome position (GRCh38, 1-based): chr6:38,775,952, G>A. VCF-style: chr6-38775952-G-A. GRCh37 (hg19) VCF-style: chr6-38743728-G-A.
Other names: c.1311+1G>A (NM_001371.4).
Identifiers: ClinVar variation 4749803 (VCV004749803.1).